The following is an entry in ClinVar:

ClinVar aggregate classification (germline): Pathogenic. Review status: criteria provided, multiple submitters, no conflicts (2 of 4 stars). 2 submissions from 2 submitters: Pathogenic (2). Last evaluated 2022-02-28.

Conditions:
Alagille syndrome due to a JAG1 point mutation. Also called: JAG1-Related Alagille Syndrome; HEPATIC DUCTULAR HYPOPLASIA, SYNDROMATIC; Alagille Syndrome 1. Identifiers: Orphanet 261619, Orphanet 52, MedGen C1956125, MONDO:0016862, OMIM 118450.

Submissions (2):

Labcorp Genetics (formerly Invitae), Labcorp
Classification: Pathogenic for Alagille syndrome due to a JAG1 point mutation. Last evaluated: 2022-02-28. Review status: criteria provided, single submitter. Criteria: Invitae Variant Classification Sherloc (09022015). Collection method: clinical testing. Allele origin: germline.
Comment: For these reasons, this variant has been classified as Pathogenic. ClinVar contains an entry for this variant (Variation ID: 234578). This premature translational stop signal has been observed in individual(s) with Alagille syndrome (PMID: 25606387, 31343788). This variant is not present in population databases (gnomAD no frequency). This sequence change creates a premature translational stop signal (p.Gln291*) in the JAG1 gene. It is expected to result in an absent or disrupted protein product. Loss-of-function variants in JAG1 are known to be pathogenic (PMID: 11180599).

GeneDx
Classification: Pathogenic. Last evaluated: 2015-10-19. Review status: criteria provided, single submitter. Criteria: GeneDx Variant Classification (06012015). Collection method: clinical testing. Allele origin: germline. Affected: yes.
Comment: The Q291X nonsense variant in the JAG1 gene has been reported previously in association with Alagille syndrome (VÃ¡zquez-MartÃ­nez et al., 2014). This pathogenic variant is predicted to cause loss of normal protein function either through protein truncation or nonsense-mediated mRNA decay. The Q291X variant was not observed in approximately 6,500 individuals of European and African American ancestry in the NHLBI Exome Sequencing Project, indicating it is not a common benign variant in these populations.

Literature cited by the submitters: PubMed 25606387 (cited by Labcorp Genetics (formerly Invitae), Labcorp); PubMed 31343788 (cited by Labcorp Genetics (formerly Invitae), Labcorp); PubMed 11180599 (cited by Labcorp Genetics (formerly Invitae), Labcorp).

NM_000214.3(JAG1):c.871C>T (p.Gln291Ter)

Gene: JAG1 (jagged canonical Notch ligand 1; minus strand). Cytogenetic location: 20p12.2.
Variant type: single nucleotide variant.
Coding change: c.871C>T on transcript NM_000214.3 (MANE Select); coding-DNA position 871, C replaced by T.
Protein change: p.Gln291Ter; replaces glutamine 291 with a stop codon.
Molecular consequence: nonsense.
Genome position (GRCh38, 1-based): chr20:10,652,483, G>A on the plus strand (C>T on the coding strand, the complement: JAG1 is on the minus strand). VCF-style: chr20-10652483-G-A. GRCh37 (hg19) VCF-style: chr20-10633131-G-A.
Other names: c.871C>T, p.Gln291Ter (LRG_1191t1); short protein forms Q291*.
Identifiers: ClinVar variation 234578 (VCV000234578.6), dbSNP rs876661096, ClinGen allele CA10577618.